The following is an entry in ClinVar:

NM_032217.5(ANKRD17):c.3200T>C (p.Leu1067Pro)

Gene: ANKRD17 (ankyrin repeat domain 17; minus strand). Cytogenetic location: 4q13.3.
Variant type: single nucleotide variant.
Coding change: c.3200T>C on transcript NM_032217.5 (MANE Select); coding-DNA position 3200, T replaced by C.
Protein change: p.Leu1067Pro; replaces leucine 1067 with proline.
Molecular consequence: missense variant.
Genome position (GRCh38, 1-based): chr4:73,135,151, A>G on the plus strand (T>C on the coding strand, the complement: ANKRD17 is on the minus strand). VCF-style: chr4-73135151-A-G. GRCh37 (hg19) VCF-style: chr4-74000868-A-G.
Other names: c.2861T>C, p.Leu954Pro (NM_001286771.3); c.3197T>C, p.Leu1066Pro (NM_015574.2); c.2447T>C, p.Leu816Pro (NM_198889.3); short protein forms L1066P, L1067P, L816P, L954P.
Identifiers: ClinVar variation 4886662 (VCV004886662.2).
Genomic context (GRCh38, chr4:73,135,151, plus strand): 5'-CCATCTCTCTTAAGTTTGGGACTTACCTGTGCATCAATATCAATGGCAGGGTAGATAGGA[A>G]GCATGGCTGAAGGAGAGATGATAGGACTTGGAGTTGGAGTCTGAGGTTGGGAAATGGATG-3'
Protein context (NP_115593.3, residues 1057-1077): PSPIISPSAM[Leu1067Pro]PIYPAIDIDA

ClinVar aggregate classification (germline): Uncertain significance (1 of 4 stars; one submission).

Submission:

Dasa
Classification: Uncertain significance. Last evaluated: 2025-03-06. Review status: criteria provided, single submitter. Criteria: DASA Assertion Criteria. Collection method: clinical testing. Allele origin: germline.
Comment: NM_032217.5(ANKRD17):c.3200T>C (p.Leu1067Pro) is a missense variant that results in the substitution of leucine with proline. This variant is absent from population databases. The currently available literature and clinical evidence are not sufficient to establish a definitive association between this variant and the reported condition. Therefore, this variant is classified as a variant of uncertain significance.